The following is an entry in ClinVar:

NM_002734.5(PRKAR1A):c.830A>G (p.Glu277Gly)

Gene: PRKAR1A (protein kinase cAMP-dependent type I regulatory subunit alpha; plus strand). Cytogenetic location: 17q24.2.
Variant type: single nucleotide variant.
Coding change: c.830A>G on transcript NM_002734.5 (MANE Select); coding-DNA position 830, A replaced by G.
Protein change: p.Glu277Gly; replaces glutamic acid 277 with glycine.
Molecular consequence: missense variant.
Genome position (GRCh38, 1-based): chr17:68,528,930, A>G. VCF-style: chr17-68528930-A-G. GRCh37 (hg19) VCF-style: chr17-66525071-A-G.
Other names: c.830A>G, p.Glu277Gly (NM_001276289.2, NM_001276290.1, NM_001278433.2 and 4 more transcripts); short protein forms E277G.
Identifiers: ClinVar variation 4844138 (VCV004844138.1).
Genomic context (GRCh38, chr17:68,528,930, plus strand): 5'-AGTCTCTGGACAAGTGGGAACGTCTTACGGTAGCTGATGCATTGGAACCAGTGCAGTTTG[A>G]AGATGGGCAGAAGATTGTGGTGCAGGGAGAACCAGGGGATGAGTTCTTCATTATTTTAGA-3'
Protein context (NP_002725.1, residues 267-287): VADALEPVQF[Glu277Gly]DGQKIVVQGE

ClinVar aggregate classification (germline): Uncertain significance (1 of 4 stars; one submission).

Conditions:
Hereditary cancer-predisposing syndrome. Also called: Neoplastic Syndromes, Hereditary; Tumor predisposition; Hereditary Cancer Syndrome; Hereditary neoplastic syndrome. Identifiers: Orphanet 140162, MedGen C0027672, MeSH D009386, MONDO:0015356.

Submission:

Ambry Genetics
Classification: Uncertain significance for Hereditary cancer-predisposing syndrome. Last evaluated: 2026-02-22. Review status: criteria provided, single submitter. Criteria: Ambry Variant Classification Scheme 2023. Collection method: clinical testing. Allele origin: germline.
Comment: The p.E277G variant (also known as c.830A>G), located in coding exon 8 of the PRKAR1A gene, results from an A to G substitution at nucleotide position 830. The glutamic acid at codon 277 is replaced by glycine, an amino acid with similar properties. This amino acid position is conserved. In addition, this alteration is predicted to be deleterious by in silico analysis. Based on the available evidence, the clinical significance of this variant remains unclear.